The following is an entry in ClinVar:

ClinVar aggregate classification (germline): Uncertain significance (1 of 4 stars; one submission).

Submission:

Labcorp Genetics (formerly Invitae), Labcorp
Classification: Uncertain significance. Last evaluated: 2020-03-05. Review status: criteria provided, single submitter. Criteria: Invitae Variant Classification Sherloc (09022015). Collection method: clinical testing. Allele origin: germline.
Comment: In summary, the available evidence is currently insufficient to determine the role of this variant in disease. Therefore, it has been classified as a Variant of Uncertain Significance. Algorithms developed to predict the effect of missense changes on protein structure and function (SIFT, PolyPhen-2, Align-GVGD) all suggest that this variant is likely to be tolerated, but these predictions have not been confirmed by published functional studies and their clinical significance is uncertain. This variant has not been reported in the literature in individuals with MTOR-related conditions. This variant is not present in population databases (ExAC no frequency). This sequence change replaces aspartic acid with asparagine at codon 1377 of the MTOR protein (p.Asp1377Asn). The aspartic acid residue is moderately conserved and there is a small physicochemical difference between aspartic acid and asparagine.

NM_004958.4(MTOR):c.4129G>A (p.Asp1377Asn)

Gene: MTOR (mechanistic target of rapamycin kinase; minus strand). Cytogenetic location: 1p36.22.
Variant type: single nucleotide variant.
Coding change: c.4129G>A on transcript NM_004958.4 (MANE Select); coding-DNA position 4129, G replaced by A.
Protein change: p.Asp1377Asn; replaces aspartic acid 1377 with asparagine.
Molecular consequence: missense variant.
Genome position (GRCh38, 1-based): chr1:11,199,382, C>T on the plus strand (G>A on the coding strand, the complement: MTOR is on the minus strand). VCF-style: chr1-11199382-C-T. GRCh37 (hg19) VCF-style: chr1-11259439-C-T.
Other names: short protein forms D1377N.
Identifiers: ClinVar variation 840767 (VCV000840767.9), dbSNP rs1645889047, ClinGen allele CA338389245.
Genomic context (GRCh38, chr1:11,199,382, plus strand): 5'-GTGCTTTGGCATATGCTCGGCACTTGGCAGCTCTCTCACCCAGCAGAACAATGCCATTGT[C>T]ATCTCTCAGTGGCAGGGGGCCCTGGAGAAGAGCAAAACCTCACAGCACAGGAAAATGGCA-3'
Protein context (NP_004949.1, residues 1367-1387): SDKGPLPLRD[Asp1377Asn]NGIVLLGERA